The following is an entry in ClinVar:

NM_206933.4(USH2A):c.2302T>A (p.Cys768Ser)

Gene: USH2A (usherin; minus strand). Cytogenetic location: 1q41.
Variant type: single nucleotide variant.
Coding change: c.2302T>A on transcript NM_206933.4 (MANE Select); coding-DNA position 2302, T replaced by A.
Protein change: p.Cys768Ser; replaces cysteine 768 with serine.
Molecular consequence: missense variant.
Genome position (GRCh38, 1-based): chr1:216,247,092, A>T on the plus strand (T>A on the coding strand, the complement: USH2A is on the minus strand). VCF-style: chr1-216247092-A-T. GRCh37 (hg19) VCF-style: chr1-216420434-A-T.
Other names: c.2302T>A, p.Cys768Ser (NM_007123.6); short protein forms C768S.
Identifiers: ClinVar variation 3624042 (VCV003624042.2).

ClinVar aggregate classification (germline): Uncertain significance (1 of 4 stars; one submission).

Submission:

Labcorp Genetics (formerly Invitae), Labcorp
Classification: Uncertain significance. Last evaluated: 2025-02-27. Review status: criteria provided, single submitter. Criteria: Invitae Variant Classification Sherloc (09022015). Collection method: clinical testing. Allele origin: germline.
Comment: This sequence change replaces cysteine, which is neutral and slightly polar, with serine, which is neutral and polar, at codon 768 of the USH2A protein (p.Cys768Ser). This variant is not present in population databases (gnomAD no frequency). This variant has not been reported in the literature in individuals affected with USH2A-related conditions. Invitae Evidence Modeling of protein sequence and biophysical properties (such as structural, functional, and spatial information, amino acid conservation, physicochemical variation, residue mobility, and thermodynamic stability) indicates that this missense variant is expected to disrupt USH2A protein function with a positive predictive value of 95%. In summary, the available evidence is currently insufficient to determine the role of this variant in disease. Therefore, it has been classified as a Variant of Uncertain Significance.